The following is an entry in ClinVar:

ClinVar aggregate classification (germline): Uncertain significance. Review status: criteria provided, multiple submitters, no conflicts (2 of 4 stars). 7 submissions from 7 submitters: Uncertain significance (6). 1 of the submissions does not count toward it. Last evaluated 2024-03-28.

Conditions:
Inborn genetic diseases. Identifiers: MedGen C0950123, MeSH D030342.
Muscle eye brain disease (MEB). Also called: Santavuori congenital muscular dystrophy. Identifiers: Orphanet 588, Orphanet 899, MedGen C0457133, MONDO:0018939.
Muscular dystrophy-dystroglycanopathy (congenital with impaired intellectual development), type B, 3. Also called: Muscular dystrophy-dystroglycanopathy (congenital with intellectual disability), type B3; MUSCULAR DYSTROPHY, CONGENITAL, POMGNT1-RELATED. Identifiers: MedGen C3150412, MONDO:0013155, OMIM 613151.
Autosomal recessive limb-girdle muscular dystrophy type 2O. Also called: MUSCULAR DYSTROPHY-DYSTROGLYCANOPATHY, LIMB-GIRDLE, POMGNT1-RELATED; Limb-Girdle Muscular Dystrophy Type 3C; MUSCULAR DYSTROPHY-DYSTROGLYCANOPATHY (LIMB-GIRDLE), TYPE C, 3. Identifiers: Orphanet 206564, MedGen C3150417, MONDO:0013161, OMIM 613157.

Allele frequency attached by ClinVar (database versions not stated): gnomAD 0.00004 and 0.00003; TOPMed 0.00006; gnomAD exomes 0.00002; ESP Exome Variant Server 0.00008; ExAC 0.00003.
gnomAD v4.1: 55 of 1,614,072 alleles (0.0034%); highest among the groups gnomAD compares: Admixed American, 0.013%; no homozygotes.

Submissions (7):

Mayo Clinic Laboratories, Mayo Clinic
Classification: Uncertain significance. Last evaluated: 2024-03-28. Review status: criteria provided, single submitter. Criteria: ACMG Guidelines, 2015. Collection method: clinical testing. Allele origin: germline. Observed: 2 variant alleles.
Comment: BP4

Blueprint Genetics
Classification: Uncertain significance. Last evaluated: 2024-02-22. Review status: criteria provided, single submitter. Criteria: ACMG Guidelines, 2015. Collection method: clinical testing. Allele origin: germline.

Ambry Genetics
Classification: Uncertain significance for Inborn genetic diseases. Last evaluated: 2024-01-04. Review status: criteria provided, single submitter. Criteria: Ambry Variant Classification Scheme 2023. Collection method: clinical testing. Allele origin: germline.

Labcorp Genetics (formerly Invitae), Labcorp
Classification: Uncertain significance for Autosomal recessive limb-girdle muscular dystrophy type 2O; Muscular dystrophy-dystroglycanopathy (congenital with impaired intellectual development), type B, 3. Last evaluated: 2022-10-31. Review status: criteria provided, single submitter. Criteria: Invitae Variant Classification Sherloc (09022015). Collection method: clinical testing. Allele origin: germline.
Comment: This sequence change replaces arginine, which is basic and polar, with cysteine, which is neutral and slightly polar, at codon 90 of the POMGNT1 protein (p.Arg90Cys). The frequency data for this variant in the population databases is considered unreliable, as metrics indicate poor data quality at this position in the gnomAD database. This variant has not been reported in the literature in individuals affected with POMGNT1-related conditions. ClinVar contains an entry for this variant (Variation ID: 283329). Advanced modeling of protein sequence and biophysical properties (such as structural, functional, and spatial information, amino acid conservation, physicochemical variation, residue mobility, and thermodynamic stability) performed at Invitae indicates that this missense variant is not expected to disrupt POMGNT1 protein function. In summary, the available evidence is currently insufficient to determine the role of this variant in disease. Therefore, it has been classified as a Variant of Uncertain Significance.

Revvity Omics, Revvity
Classification: Uncertain significance. Last evaluated: 2019-06-17. Review status: criteria provided, single submitter. Criteria: ACMG Guidelines, 2015. Collection method: clinical testing. Allele origin: germline.

Eurofins Ntd Llc (ga)
Classification: Uncertain significance. Last evaluated: 2016-10-14. Review status: criteria provided, single submitter. Criteria: EGL Classification Definitions 2015. Collection method: clinical testing. Allele origin: germline. Observed: 2 variant alleles, 2 heterozygotes.

Natera, Inc.
Classification: Uncertain significance for Muscle-eye-brain disease. Last evaluated: 2020-08-14. Review status: no assertion criteria provided. Collection method: clinical testing. Allele origin: germline. Not counted in ClinVar's aggregate classification.

NM_017739.4(POMGNT1):c.268C>T (p.Arg90Cys)

Gene: POMGNT1 (protein O-linked mannose N-acetylglucosaminyltransferase 1 (beta 1,2-); minus strand). Cytogenetic location: 1p34.1.
Variant type: single nucleotide variant.
Coding change: c.268C>T on transcript NM_017739.4 (MANE Select); coding-DNA position 268, C replaced by T.
Protein change: p.Arg90Cys; replaces arginine 90 with cysteine.
Molecular consequence: missense variant. On other transcripts: 5 prime UTR variant (1).
Genome position (GRCh38, 1-based): chr1:46,196,817, G>A on the plus strand (C>T on the coding strand, the complement: POMGNT1 is on the minus strand). VCF-style: chr1-46196817-G-A. GRCh37 (hg19) VCF-style: chr1-46662489-G-A.
Other names: p.Arg90Cys; c.268C>T, p.Arg90Cys (NM_001243766.2, NM_001410783.1); c.202C>T, p.Arg68Cys (NM_001290129.3); c.-162C>T (NM_001290130.2); short protein forms R90C, R68C.
Identifiers: ClinVar variation 283329 (VCV000283329.16), dbSNP rs144959783, ClinGen allele CA833804.